The following is an entry in ClinVar:

NM_000059.4(BRCA2):c.4305del (p.Asn1435fs)

Gene: BRCA2 (BRCA2 DNA repair associated; plus strand). Cytogenetic location: 13q13.1.
Variant type: Deletion.
Coding change: c.4305del on transcript NM_000059.4 (MANE Select); coding-DNA position 4305, one base deleted (T; older notation c.4305delT).
Protein change: p.Asn1435fs; shifts the reading frame from asparagine 1435.
Molecular consequence: frameshift variant.
Genome position (GRCh38, 1-based): chr13:32,338,660, T deleted. VCF-style (leftmost placement, unchanged base first): chr13-32338659-AT-A. GRCh37 (hg19) VCF-style: chr13-32912796-AT-A.
Other names: 4533delT; short protein forms N1435fs.
Identifiers: ClinVar variation 266802 (VCV000266802.5), dbSNP rs886040521, ClinGen allele CA10589251.

ClinVar aggregate classification (germline): Pathogenic. Review status: reviewed by expert panel (3 of 4 stars). 2 submissions from 2 submitters: Pathogenic (1). 1 of the submissions does not count toward it. Last evaluated 2016-10-18.

Conditions:
Breast-ovarian cancer, familial, susceptibility to, 2 (BROVCA2). Also called: BRCA2 Hereditary Breast and Ovarian Cancer. Identifiers: Orphanet 145, MedGen C2675520, MONDO:0012933, OMIM 612555. Disease mechanism: loss of function.

Submissions (2):

Evidence-based Network for the Interpretation of Germline Mutant Alleles (ENIGMA)
Classification: Pathogenic for Breast-ovarian cancer, familial, susceptibility to, 2. Last evaluated: 2016-10-18. Review status: reviewed by expert panel. Criteria: ENIGMA BRCA1/2 Classification Criteria (2015). Collection method: curation. Allele origin: germline.
Comment: Variant allele predicted to encode a truncated non-functional protein.

Consortium of Investigators of Modifiers of BRCA1/2 (CIMBA), c/o University of Cambridge
Classification: Pathogenic for Breast-ovarian cancer, familial, susceptibility to, 2. Last evaluated: 2015-10-02. Review status: criteria provided, single submitter. Criteria: CIMBA Mutation Classification guidelines May 2016. Collection method: clinical testing. Allele origin: germline. Not counted in ClinVar's aggregate classification.